The following is an entry in ClinVar:

ClinVar aggregate classification (germline): Conflicting classifications of pathogenicity. Review status: criteria provided, conflicting classifications (1 of 4 stars). 4 submissions from 4 submitters: Pathogenic (1); Likely pathogenic (1); Uncertain significance (1). 1 of the submissions does not count toward it. Last evaluated 2026-09-01.

Conditions:
Ehlers-Danlos syndrome, spondylodysplastic type, 3. Also called: Ehlers-Danlos syndrome, spondylocheirodysplastic type. Identifiers: Orphanet 157965, MedGen C2676510, MONDO:0012873, OMIM 612350.

Allele frequency attached by ClinVar (database versions not stated): gnomAD 0.00001 and 0.00002.
gnomAD v4.1: 4 of 1,614,042 alleles (0.00025%); highest among the groups gnomAD compares: Admixed American, 0.0033%; no homozygotes.

Submissions (4):

GeneDx
Classification: Pathogenic. Last evaluated: 2026-09-01. Review status: criteria provided, single submitter. Criteria: GeneDx Variant Classification Process June 2021. Collection method: clinical testing. Allele origin: germline.
Comment: Published functional studies demonstrate protein instability and rapid degredation (PMID: 25007800); Not observed at significant frequency in large population cohorts (gnomAD); In silico analysis supports that this missense variant has a deleterious effect on protein structure/function; This variant is associated with the following publications: (PMID: 18985159, 32295219, 25007800)

Department of Pathology and Laboratory Medicine, Sinai Health System
Classification: Likely pathogenic for Ehlers-Danlos syndrome, spondylodysplastic type, 3. Last evaluated: 2023-01-31. Review status: criteria provided, single submitter. Criteria: ACMG Guidelines, 2015. Collection method: research. Allele origin: germline.

Labcorp Genetics (formerly Invitae), Labcorp
Classification: Uncertain significance for Ehlers-Danlos syndrome, spondylodysplastic type, 3. Last evaluated: 2022-07-19. Review status: criteria provided, single submitter. Criteria: Invitae Variant Classification Sherloc (09022015). Collection method: clinical testing. Allele origin: germline.
Comment: This sequence change replaces glycine, which is neutral and non-polar, with aspartic acid, which is acidic and polar, at codon 74 of the SLC39A13 protein (p.Gly74Asp). This variant is not present in population databases (gnomAD no frequency). This missense change has been observed in individual(s) with spondylodysplastic type Ehlers-Danlos syndrome (PMID: 18985159). It has also been observed to segregate with disease in related individuals. This variant is also known as G64D. ClinVar contains an entry for this variant (Variation ID: 2133). Algorithms developed to predict the effect of missense changes on protein structure and function are either unavailable or do not agree on the potential impact of this missense change (SIFT: "Tolerated"; PolyPhen-2: "Probably Damaging"; Align-GVGD: "Class C0"). Experimental studies have shown that this missense change affects SLC39A13 function (PMID: 18985159, 25007800). In summary, the available evidence is currently insufficient to determine the role of this variant in disease. Therefore, it has been classified as a Variant of Uncertain Significance.

OMIM
Classification: Pathogenic for EHLERS-DANLOS SYNDROME, SPONDYLODYSPLASTIC TYPE, 3. Last evaluated: 2008-01-01. Review status: no assertion criteria provided. Collection method: literature only. Allele origin: germline. Not counted in ClinVar's aggregate classification.

Literature cited by the submitters: PubMed 18985159 (cited by Labcorp Genetics (formerly Invitae), Labcorp and OMIM); PubMed 25007800 (cited by Labcorp Genetics (formerly Invitae), Labcorp).

NM_001128225.3(SLC39A13):c.221G>A (p.Gly74Asp)

Gene: SLC39A13 (solute carrier family 39 member 13; plus strand). Cytogenetic location: 11p11.2.
Variant type: single nucleotide variant.
Coding change: c.221G>A on transcript NM_001128225.3 (MANE Select); coding-DNA position 221, G replaced by A.
Protein change: p.Gly74Asp; replaces glycine 74 with aspartic acid.
Molecular consequence: missense variant. On other transcripts: non-coding transcript variant (1).
Genome position (GRCh38, 1-based): chr11:47,410,315, G>A. VCF-style: chr11-47410315-G-A. GRCh37 (hg19) VCF-style: chr11-47431866-G-A.
Other names: c.221G>A, p.Gly74Asp (NM_001330245.2, NM_152264.5); short protein forms G74D.
Identifiers: ClinVar variation 2133 (VCV000002133.12), dbSNP rs121434363, ClinGen allele CA115360.